The following is an entry in ClinVar:

NM_133510.4(RAD51B):c.103C>G (p.Pro35Ala)

Gene: RAD51B (RAD51 paralog B; plus strand). Cytogenetic location: 14q24.1.
Variant type: single nucleotide variant.
Coding change: c.103C>G on transcript NM_133510.4 (MANE Select); coding-DNA position 103, C replaced by G.
Protein change: p.Pro35Ala; replaces proline 35 with alanine.
Molecular consequence: missense variant. On other transcripts: 5 prime UTR variant (2).
Genome position (GRCh38, 1-based): chr14:67,825,482, C>G. VCF-style: chr14-67825482-C-G. GRCh37 (hg19) VCF-style: chr14-68292199-C-G.
Other names: c.103C>G, p.Pro35Ala (NM_001321809.2, NM_001321810.2, NM_001321812.1 and 6 more transcripts); c.-12C>G (NM_001321815.1); c.-353C>G (NM_001321817.2); short protein forms P35A.
Identifiers: ClinVar variation 3942300 (VCV003942300.1).

ClinVar aggregate classification (germline): Uncertain significance (1 of 4 stars; one submission).

Submission:

Ambry Genetics
Classification: Uncertain significance. Last evaluated: 2025-04-18. Review status: criteria provided, single submitter. Criteria: Ambry Variant Classification Scheme 2023. Collection method: clinical testing. Allele origin: germline.
Comment: The p.P35A variant (also known as c.103C>G), located in coding exon 2 of the RAD51B gene, results from a C to G substitution at nucleotide position 103. The proline at codon 35 is replaced by alanine, an amino acid with highly similar properties. This amino acid position is conserved. In addition, this alteration is predicted to be tolerated by in silico analysis. Based on the available evidence, the clinical significance of this variant remains unclear.